The following is an entry in ClinVar:

NM_018010.4(IFT57):c.1209A>C (p.Gln403His)

Gene: IFT57 (intraflagellar transport 57; minus strand). Cytogenetic location: 3q13.12.
Variant type: single nucleotide variant.
Coding change: c.1209A>C on transcript NM_018010.4 (MANE Select); coding-DNA position 1209, A replaced by C.
Protein change: p.Gln403His; replaces glutamine 403 with histidine.
Molecular consequence: missense variant.
Genome position (GRCh38, 1-based): chr3:108,162,558, T>G on the plus strand (A>C on the coding strand, the complement: IFT57 is on the minus strand). VCF-style: chr3-108162558-T-G. GRCh37 (hg19) VCF-style: chr3-107881405-T-G.
Other names: c.1209A>C (NM_018010.3); short protein forms Q403H.
Identifiers: ClinVar variation 1897983 (VCV001897983.6), dbSNP rs371511443, ClinGen allele CA353912892.
Genomic context (GRCh38, chr3:108,162,558, plus strand): 5'-TTCTGGAATAACTGTGGCATGCATGTTCCTAGTCATGTTGGACTTCTCCTTCAGCTTTGA[T>G]TGGAGTAGTGTGTGTTCCACAATGCCAATTCTAATGTCCATCTCTACAGTTTCTTGCTTC-3'
Protein context (NP_060480.1, residues 393-413): RIGIVEHTLL[Gln403His]SKLKEKSNMT

ClinVar aggregate classification (germline): Uncertain significance. Review status: criteria provided, multiple submitters, no conflicts (2 of 4 stars). 2 submissions from 2 submitters: Uncertain significance (2). Last evaluated 2024-12-04.

gnomAD v4.1: 30 of 1,612,864 alleles (0.0019%); highest among the groups gnomAD compares: Non-Finnish European, 0.0025%; no homozygotes.

Submissions (2):

Ambry Genetics
Classification: Uncertain significance. Last evaluated: 2024-12-04. Review status: criteria provided, single submitter. Criteria: Ambry Variant Classification Scheme 2023. Collection method: clinical testing. Allele origin: germline.

Labcorp Genetics (formerly Invitae), Labcorp
Classification: Uncertain significance. Last evaluated: 2022-02-06. Review status: criteria provided, single submitter. Criteria: Invitae Variant Classification Sherloc (09022015). Collection method: clinical testing. Allele origin: germline.
Comment: This sequence change replaces glutamine, which is neutral and polar, with histidine, which is basic and polar, at codon 403 of the IFT57 protein (p.Gln403His). This variant is present in population databases (no rsID available, gnomAD 0.0009%). This variant has not been reported in the literature in individuals affected with IFT57-related conditions. Algorithms developed to predict the effect of missense changes on protein structure and function (SIFT, PolyPhen-2, Align-GVGD) all suggest that this variant is likely to be tolerated. In summary, the available evidence is currently insufficient to determine the role of this variant in disease. Therefore, it has been classified as a Variant of Uncertain Significance.